The following is an entry in ClinVar:

NM_000059.4(BRCA2):c.2893A>G (p.Met965Val)

Gene: BRCA2 (BRCA2 DNA repair associated; plus strand). Cytogenetic location: 13q13.1.
Variant type: single nucleotide variant.
Coding change: c.2893A>G on transcript NM_000059.4 (MANE Select); coding-DNA position 2893, A replaced by G.
Protein change: p.Met965Val; replaces methionine 965 with valine.
Molecular consequence: missense variant.
Genome position (GRCh38, 1-based): chr13:32,337,248, A>G. VCF-style: chr13-32337248-A-G. GRCh37 (hg19) VCF-style: chr13-32911385-A-G.
Other names: short protein forms M965V.
Identifiers: ClinVar variation 483014 (VCV000483014.15), dbSNP rs1555282927, ClinGen allele CA387774131.

ClinVar aggregate classification (germline): Conflicting classifications of pathogenicity. Review status: criteria provided, conflicting classifications (1 of 4 stars). 3 submissions from 3 submitters: Uncertain significance (1); Likely benign (2). Last evaluated 2025-09-28.

Conditions:
Hereditary cancer-predisposing syndrome. Also called: Neoplastic Syndromes, Hereditary; Tumor predisposition; Hereditary Cancer Syndrome; Hereditary neoplastic syndrome. Identifiers: Orphanet 140162, MedGen C0027672, MeSH D009386, MONDO:0015356.
Hereditary breast ovarian cancer syndrome. Also called: Hereditary breast and ovarian cancer syndrome; Hereditary breast and ovarian cancer; Hereditary breast and ovarian cancer syndrome (HBOC); Breast and ovarian cancer; Hereditary breast and/or ovarian cancer syndrome; BRCA1- and BRCA2-Associated Hereditary Breast and Ovarian Cancer. Identifiers: Orphanet 145, MedGen C0677776, MeSH D061325, MONDO:0003582. Disease mechanism: loss of function.

Submissions (3):

Labcorp Genetics (formerly Invitae), Labcorp
Classification: Uncertain significance for Hereditary breast ovarian cancer syndrome. Last evaluated: 2025-09-28. Review status: criteria provided, single submitter. Criteria: Invitae Variant Classification Sherloc (09022015). Collection method: clinical testing. Allele origin: germline.
Comment: This sequence change replaces methionine, which is neutral and non-polar, with valine, which is neutral and non-polar, at codon 965 of the BRCA2 protein (p.Met965Val). This variant is not present in population databases (gnomAD no frequency). This variant has not been reported in the literature in individuals affected with BRCA2-related conditions. ClinVar contains an entry for this variant (Variation ID: 483014). Invitae Evidence Modeling of protein sequence and biophysical properties (such as structural, functional, and spatial information, amino acid conservation, physicochemical variation, residue mobility, and thermodynamic stability) indicates that this missense variant is not expected to disrupt BRCA2 protein function with a negative predictive value of 95%. In summary, the available evidence is currently insufficient to determine the role of this variant in disease. Therefore, it has been classified as a Variant of Uncertain Significance.

Ambry Genetics
Classification: Likely benign for Hereditary cancer-predisposing syndrome. Last evaluated: 2025-03-11. Review status: criteria provided, single submitter. Criteria: Ambry Variant Classification Scheme 2023. Collection method: clinical testing. Allele origin: germline.

University of Washington Department of Laboratory Medicine, University of Washington
Classification: Likely benign for Hereditary cancer-predisposing syndrome. Last evaluated: 2023-03-23. Review status: criteria provided, single submitter. Criteria: Dines et al. (Genet Med. 2020). Collection method: curation. Allele origin: germline.
Comment: Missense variant in a coldspot region where missense variants are very unlikely to be pathogenic (PMID:31911673).

BRCA2 exon 11 coldspot. Reclassification based on statistical prior probability.